The following is an entry in ClinVar:

NM_004364.5(CEBPA):c.81C>G (p.Ser27Arg)

Gene: CEBPA (CCAAT enhancer binding protein alpha; minus strand). Cytogenetic location: 19q13.11.
Variant type: single nucleotide variant.
Coding change: c.81C>G on transcript NM_004364.5 (MANE Select); coding-DNA position 81, C replaced by G.
Protein change: p.Ser27Arg; replaces serine 27 with arginine.
Molecular consequence: missense variant. On other transcripts: 5 prime UTR variant (1).
Genome position (GRCh38, 1-based): chr19:33,302,334, G>C on the plus strand (C>G on the coding strand, the complement: CEBPA is on the minus strand). VCF-style: chr19-33302334-G-C. GRCh37 (hg19) VCF-style: chr19-33793240-G-C.
Other names: c.-277C>G (NM_001285829.2); c.186C>G, p.Ser62Arg (NM_001287424.2); c.39C>G, p.Ser13Arg (NM_001287435.2); short protein forms S13R, S62R, S27R.
Identifiers: ClinVar variation 1482448 (VCV001482448.8), dbSNP rs111662895, ClinGen allele CA307844440.

ClinVar aggregate classification (germline): Uncertain significance (1 of 4 stars; one submission).

Conditions:
Acute myeloid leukemia (AML). Also called: Leukemia, acute myeloid, somatic; Leukemia, acute myelogenous, somatic; Acute myeloid leukemia, adult; AML adult; Acute non-lymphocytic leukemia; Acute granulocytic leukemia. Identifiers: Orphanet 519, MedGen C0023467, MeSH D015470, MONDO:0018874, OMIM 601626, HP:0004808. Disease mechanism: Constitutively activated FLT3.

Submission:

Labcorp Genetics (formerly Invitae), Labcorp
Classification: Uncertain significance for Acute myeloid leukemia. Last evaluated: 2020-11-10. Review status: criteria provided, single submitter. Criteria: Invitae Variant Classification Sherloc (09022015). Collection method: clinical testing. Allele origin: germline.
Comment: This sequence change replaces serine with arginine at codon 27 of the CEBPA protein (p.Ser27Arg). The serine residue is weakly conserved and there is a moderate physicochemical difference between serine and arginine. The frequency data for this variant in the population databases is considered unreliable, as metrics indicate insufficient coverage at this position in the ExAC database. This variant has not been reported in the literature in individuals with CEBPA-related conditions. Algorithms developed to predict the effect of missense changes on protein structure and function are either unavailable or do not agree on the potential impact of this missense change (SIFT: "Deleterious"; PolyPhen-2: "Benign"; Align-GVGD: "Class C0"). In summary, the available evidence is currently insufficient to determine the role of this variant in disease. Therefore, it has been classified as a Variant of Uncertain Significance.